The following is an entry in ClinVar:

NM_152732.5(RSPH9):c.263C>T (p.Ala88Val)

Gene: RSPH9 (radial spoke head component 9; plus strand). Cytogenetic location: 6p21.1.
Variant type: single nucleotide variant.
Coding change: c.263C>T on transcript NM_152732.5 (MANE Select); coding-DNA position 263, C replaced by T.
Protein change: p.Ala88Val; replaces alanine 88 with valine.
Molecular consequence: missense variant. On other transcripts: non-coding transcript variant (1).
Genome position (GRCh38, 1-based): chr6:43,650,410, C>T. VCF-style: chr6-43650410-C-T. GRCh37 (hg19) VCF-style: chr6-43618147-C-T.
Other names: c.263C>T, p.Ala88Val (NM_001193341.2, NM_001424119.1, NM_001424120.1 and 1 more transcripts); short protein forms A88V.
Identifiers: ClinVar variation 241994 (VCV000241994.58), dbSNP rs35110984, ClinGen allele CA3828262.

ClinVar aggregate classification (germline): Benign/Likely benign. Review status: criteria provided, multiple submitters, no conflicts (2 of 4 stars). 6 submissions from 6 submitters: Benign (3); Likely benign (3). Last evaluated 2026-01-28.

Conditions:
Primary ciliary dyskinesia. Also called: Ciliary dyskinesia. Identifiers: Orphanet 244, MedGen C0008780, MONDO:0016575, HP:0012265.
Primary ciliary dyskinesia 12. Also called: CILIARY DYSKINESIA, PRIMARY, 12, WITHOUT SITUS INVERSUS. Identifiers: Orphanet 244, MedGen C2675228, MONDO:0012979, OMIM 612650.

Allele frequency attached by ClinVar (database versions not stated): gnomAD exomes 0.00057 and 0.00141; ExAC 0.00178; 1000 Genomes Project 0.00539; ESP Exome Variant Server 0.00546; 1000 Genomes Project 30x 0.00593; gnomAD 0.00607 and 0.00656; TOPMed 0.00657.
gnomAD v4.1: 1,788 of 1,613,736 alleles (0.11%); highest among the groups gnomAD compares: African/African-American, 2.2%; 17 homozygotes.

Submissions (6):

Labcorp Genetics (formerly Invitae), Labcorp
Classification: Benign for Primary ciliary dyskinesia. Last evaluated: 2026-01-28. Review status: criteria provided, single submitter. Criteria: Invitae Variant Classification Sherloc (09022015). Collection method: clinical testing. Allele origin: germline.

GeneDx
Classification: Likely benign. Last evaluated: 2021-02-03. Review status: criteria provided, single submitter. Criteria: GeneDx Variant Classification Process June 2021. Collection method: clinical testing. Allele origin: germline. Affected: yes.

Illumina Laboratory Services, Illumina
Classification: Likely benign for Primary ciliary dyskinesia 12. Last evaluated: 2018-01-12. Review status: criteria provided, single submitter. Criteria: ICSL Variant Classification Criteria 13 December 2019. Collection method: clinical testing. Allele origin: germline.
Comment: This variant was observed in the ICSL laboratory as part of a predisposition screen in an ostensibly healthy population. It had not been previously curated by ICSL or reported in the Human Gene Mutation Database (HGMD: prior to June 1st, 2018), and was therefore a candidate for classification through an automated scoring system. Utilizing variant allele frequency, disease prevalence and penetrance estimates, and inheritance mode, an automated score was calculated to assess if this variant is too frequent to cause the disease. Based on the score and internal cut-off values, a variant classified as likely benign is not then subjected to further curation. The score for this variant resulted in a classification of likely benign for this disease.

Ambry Genetics
Classification: Benign for Primary ciliary dyskinesia. Last evaluated: 2016-04-15. Review status: criteria provided, single submitter. Criteria: Ambry Variant Classification Scheme 2023. Collection method: clinical testing. Allele origin: germline.

Breakthrough Genomics
Classification: Likely benign. Review status: criteria provided, single submitter. Criteria: ACMG Guidelines, 2015. Collection method: not provided. Allele origin: germline. Inheritance: Autosomal recessive inheritance. Affected: yes.

PreventionGenetics, part of Exact Sciences
Classification: Benign. Review status: criteria provided, single submitter. Criteria: ACMG Guidelines, 2015. Collection method: clinical testing. Allele origin: germline.